The following is an entry in ClinVar:

ClinVar aggregate classification (germline): Uncertain significance (1 of 4 stars; one submission).

Conditions:
Neuroblastoma, susceptibility to, 3. Also called: ALK-Related Neuroblastic Tumor Susceptibility. Identifiers: Orphanet 635, MedGen C2751681, MONDO:0013083, OMIM 613014.

Submission:

Labcorp Genetics (formerly Invitae), Labcorp
Classification: Uncertain significance for Neuroblastoma, susceptibility to, 3. Last evaluated: 2023-08-20. Review status: criteria provided, single submitter. Criteria: Invitae Variant Classification Sherloc (09022015). Collection method: clinical testing. Allele origin: unknown.
Comment: This variant has not been reported in the literature in individuals affected with ALK-related conditions. This variant results in a copy number gain of the genomic region encompassing exon(s) 1-4 of the ALK gene. This region includes the initiator codon of the gene. This copy number gain extends beyond the assayed region for this gene and therefore may encompass additional genes. As the precise location of this event is unknown, it may be in tandem or it may be located elsewhere in the genome. Experimental studies and prediction algorithms are not available or were not evaluated, and the functional significance of this variant is currently unknown. In summary, the available evidence is currently insufficient to determine the role of this variant in disease. Therefore, it has been classified as a Variant of Uncertain Significance.

NC_000002.11:g.(?_29754771)_(30143525_?)dup

Gene: ALK (ALK receptor tyrosine kinase; minus strand). Cytogenetic location: 2p23.2-23.1.
Variant type: Duplication.
Identifiers: ClinVar variation 3247357 (VCV003247357.1).